The following is an entry in ClinVar:

NM_018699.4(PRDM5):c.1055T>C (p.Ile352Thr)

Gene: PRDM5 (PR/SET domain 5; minus strand). Cytogenetic location: 4q27.
Variant type: single nucleotide variant.
Coding change: c.1055T>C on transcript NM_018699.4 (MANE Select); coding-DNA position 1055, T replaced by C.
Protein change: p.Ile352Thr; replaces isoleucine 352 with threonine.
Molecular consequence: missense variant.
Genome position (GRCh38, 1-based): chr4:120,798,400, A>G on the plus strand (T>C on the coding strand, the complement: PRDM5 is on the minus strand). VCF-style: chr4-120798400-A-G. GRCh37 (hg19) VCF-style: chr4-121719555-A-G.
Other names: c.962T>C, p.Ile321Thr (NM_001300823.2, NM_001300824.2, NM_001379106.1); c.1088T>C, p.Ile363Thr (NM_001379104.1); short protein forms I352T, I321T, I363T.
Identifiers: ClinVar variation 2309570 (VCV002309570.3), dbSNP rs773224489, ClinGen allele CA105119514.

ClinVar aggregate classification (germline): Uncertain significance (1 of 4 stars; one submission).

Conditions:
Cardiovascular phenotype. Identifiers: MedGen CN230736.

Allele frequency attached by ClinVar (database versions not stated): gnomAD exomes 0.00001.
gnomAD v4.1: 17 of 1,611,254 alleles (0.0011%); highest among the groups gnomAD compares: Admixed American, 0.0017%; no homozygotes.

Submission:

Ambry Genetics
Classification: Uncertain significance for Cardiovascular phenotype. Last evaluated: 2025-01-28. Review status: criteria provided, single submitter. Criteria: Ambry Variant Classification Scheme 2023. Collection method: clinical testing. Allele origin: germline.
Comment: The p.I352T variant (also known as c.1055T>C), located in coding exon 10 of the PRDM5 gene, results from a T to C substitution at nucleotide position 1055. The isoleucine at codon 352 is replaced by threonine, an amino acid with similar properties. This amino acid position is conserved. In addition, this alteration is predicted to be tolerated by in silico analysis. Based on the available evidence, the clinical significance of this variant remains unclear.